The following is an entry in ClinVar:

NM_000388.4(CASR):c.749A>G (p.Glu250Gly)

Gene: CASR (calcium sensing receptor; plus strand). Cytogenetic location: 3q21.1.
Variant type: single nucleotide variant.
Coding change: c.749A>G on transcript NM_000388.4 (MANE Select); coding-DNA position 749, A replaced by G.
Protein change: p.Glu250Gly; replaces glutamic acid 250 with glycine.
Molecular consequence: missense variant.
Genome position (GRCh38, 1-based): chr3:122,261,784, A>G. VCF-style: chr3-122261784-A-G. GRCh37 (hg19) VCF-style: chr3-121980631-A-G.
Other names: c.749A>G, p.Glu250Gly (NM_001178065.2); c.749A>G (NM_001178065.1); short protein forms E250G.
Identifiers: ClinVar variation 1424804 (VCV001424804.10), dbSNP rs1256348744, ClinGen allele CA354151272.

ClinVar aggregate classification (germline): Uncertain significance. Review status: criteria provided, multiple submitters, no conflicts (2 of 4 stars). 3 submissions from 3 submitters: Uncertain significance (3). Last evaluated 2025-11-17.

Conditions:
Familial hypocalciuric hypercalcemia 1. Also called: Hypercalcemia, familial benign type 1. Identifiers: Orphanet 405, Orphanet 93372, MedGen C0342637, MONDO:0007791, OMIM 145980.
Neonatal severe primary hyperparathyroidism. Identifiers: Orphanet 417, MedGen C1832615, MONDO:0009397, OMIM 239200.
Autosomal dominant hypocalcemia 1 (HYPOC1). Also called: HYPOCALCEMIA, FAMILIAL. Identifiers: MedGen C3715128, MONDO:0011013, OMIM 601198.
Epilepsy, idiopathic generalized, susceptibility to, 8. Identifiers: MedGen C2752062, MONDO:0013032, OMIM 612899.
Familial hypocalciuric hypercalcemia (FHH). Also called: Familial benign hypercalcemia. Identifiers: Orphanet 405, MedGen C1809471, MONDO:0018458.
CASR-related disorder. Also called: CASR-related condition.

Allele frequency attached by ClinVar (database versions not stated): gnomAD exomes below 0.00001; TOPMed below 0.00001.
gnomAD v4.1: 1 of 1,614,246 alleles (0.000062%); highest among the groups gnomAD compares: Admixed American, 0.0017%; no homozygotes.

Submissions (3):

Labcorp Genetics (formerly Invitae), Labcorp
Classification: Uncertain significance for Familial hypocalciuric hypercalcemia; Autosomal dominant hypocalcemia 1. Last evaluated: 2025-11-17. Review status: criteria provided, single submitter. Criteria: Invitae Variant Classification Sherloc (09022015). Collection method: clinical testing. Allele origin: germline.
Comment: This sequence change replaces glutamic acid, which is acidic and polar, with glycine, which is neutral and non-polar, at codon 250 of the CASR protein (p.Glu250Gly). This variant is present in population databases (no rsID available, gnomAD 0.003%). This variant has not been reported in the literature in individuals affected with CASR-related conditions. ClinVar contains an entry for this variant (Variation ID: 1424804). An algorithm developed to predict the effect of missense changes on protein structure and function (PolyPhen-2) suggests that this variant is likely to be tolerated. In summary, the available evidence is currently insufficient to determine the role of this variant in disease. Therefore, it has been classified as a Variant of Uncertain Significance.

Fulgent Genetics
Classification: Uncertain significance for Familial hypocalciuric hypercalcemia 1; Neonatal severe primary hyperparathyroidism; Autosomal dominant hypocalcemia 1; Epilepsy, idiopathic generalized, susceptibility to, 8. Last evaluated: 2024-05-13. Review status: criteria provided, single submitter. Criteria: ACMG Guidelines, 2015. Collection method: clinical testing. Allele origin: germline.

PreventionGenetics, part of Exact Sciences
Classification: Uncertain significance for CASR-related condition. Last evaluated: 2022-08-24. Review status: criteria provided, single submitter. Criteria: ACMG Guidelines, 2015. Collection method: clinical testing. Allele origin: germline.
Comment: The CASR c.749A>G variant is predicted to result in the amino acid substitution p.Glu250Gly. To our knowledge, this variant has not been reported in the literature. This variant is reported in 0.0029% of alleles in individuals of Latino descent in gnomAD. At this time, the clinical significance of this variant is uncertain due to the absence of conclusive functional and genetic evidence.